The following is an entry in ClinVar:

ClinVar aggregate classification (germline): Likely benign. Review status: criteria provided, multiple submitters, no conflicts (2 of 4 stars). 6 submissions from 6 submitters: Likely benign (6). Last evaluated 2026-01-19.

Conditions:
Frontometaphyseal dysplasia (FMD1). Identifiers: Orphanet 1826, MedGen C0265293, MONDO:0015942.
Heterotopia, periventricular, X-linked dominant (PVNH1). Also called: X-linked periventricular heterotopia; PERIVENTRICULAR NODULAR HETEROTOPIA 4; HETEROTOPIA, PERIVENTRICULAR, 1; PERIVENTRICULAR NODULAR HETEROTOPIA 1. Identifiers: Orphanet 2149, Orphanet 82004, MedGen C1848213, MONDO:0010233, OMIM 300049.
Oto-palato-digital syndrome, type II (OPD2). Also called: Otopalatodigital Syndrome Type 2 (FLNA-OPD2); FACIOPALATOOSSEOUS SYNDROME; Otopalatodigital Syndrome, Type II; OPD II SYNDROME. Identifiers: Orphanet 669, Orphanet 90652, MedGen C1844696, MONDO:0010571, OMIM 304120.
Melnick-Needles syndrome (MNS). Also called: Melnick-Needles Syndrome (FLNA-MNS); MELNICK-NEEDLES OSTEODYSPLASTY; OSTEODYSPLASTY OF MELNICK AND NEEDLES. Identifiers: Orphanet 2484, MedGen C0025237, MONDO:0010650, OMIM 309350.
Familial thoracic aortic aneurysm and aortic dissection (TAAD). Also called: Thoracic aortic aneurysms and dissections. Identifiers: Orphanet 91387, MedGen C4707243, MONDO:0019625.

Allele frequency attached by ClinVar (database versions not stated): ExAC 0.00001; gnomAD exomes 0.00001; gnomAD 0.00003; TOPMed 0.00004; ESP Exome Variant Server 0.00010.
gnomAD v4.1: 10 of 1,208,777 alleles (0.00083%); highest among the groups gnomAD compares: African/African-American, 0.0052%; no homozygotes.

Submissions (6):

Labcorp Genetics (formerly Invitae), Labcorp
Classification: Likely benign for Oto-palato-digital syndrome, type II; Heterotopia, periventricular, X-linked dominant; Frontometaphyseal dysplasia; Melnick-Needles syndrome. Last evaluated: 2026-01-19. Review status: criteria provided, single submitter. Criteria: Invitae Variant Classification Sherloc (09022015). Collection method: clinical testing. Allele origin: germline.

Mayo Clinic Laboratories, Mayo Clinic
Classification: Likely benign. Last evaluated: 2025-12-10. Review status: criteria provided, single submitter. Criteria: ACMG Guidelines, 2015. Collection method: clinical testing. Allele origin: germline. Observed: 1 variant allele.
Comment: BP4, BP7

Women's Health and Genetics/Laboratory Corporation of America, LabCorp
Classification: Likely benign. Last evaluated: 2025-09-05. Review status: criteria provided, single submitter. Criteria: LabCorp Variant Classification Summary - May 2015. Collection method: clinical testing. Allele origin: germline.

Ambry Genetics
Classification: Likely benign for Familial thoracic aortic aneurysm and aortic dissection. Last evaluated: 2024-12-17. Review status: criteria provided, single submitter. Criteria: Ambry Variant Classification Scheme 2023. Collection method: clinical testing. Allele origin: germline.

CeGaT Center for Human Genetics Tuebingen
Classification: Likely benign. Last evaluated: 2022-07-01. Review status: criteria provided, single submitter. Criteria: CeGaT Center For Human Genetics Tuebingen Variant Classification Criteria Version 2. Collection method: clinical testing. Allele origin: germline. Affected: yes. Observed: 1 variant allele.
Comment: FLNA: BP4, BP7

GeneDx
Classification: Likely benign. Last evaluated: 2019-02-25. Review status: criteria provided, single submitter. Criteria: GeneDx Variant Classification Process June 2021. Collection method: clinical testing. Allele origin: germline. Affected: yes.

Literature cited by the submitters: PubMed 33057194 (cited by Mayo Clinic Laboratories, Mayo Clinic); PubMed 35982159 (cited by Mayo Clinic Laboratories, Mayo Clinic).

NM_001110556.2(FLNA):c.7902C>T (p.Asp2634=)

Genes: FLNA (filamin A; minus strand), LOC107988032 (Xq28 proximal FLNA-EMD recombination region; plus strand). Cytogenetic location: Xq28.
Variant type: single nucleotide variant.
Coding change: c.7902C>T on transcript NM_001110556.2 (MANE Select); coding-DNA position 7902, C replaced by T.
Protein change: p.Asp2634=; no amino-acid change (aspartic acid 2634 retained).
Molecular consequence: synonymous variant.
Genome position (GRCh38, 1-based): chrX:154,348,891, G>A on the plus strand (C>T on the coding strand, the complement: FLNA is on the minus strand). VCF-style: chrX-154348891-G-A. GRCh37 (hg19) VCF-style: chrX-153577259-G-A.
Other names: p.Asp2626=; c.7878C>T, p.Asp2626= (NM_001456.4).
Identifiers: ClinVar variation 509524 (VCV000509524.43), dbSNP rs372375216, ClinGen allele CA10559810.